The following is an entry in ClinVar:

NM_152703.5(SAMD9L):c.3613C>A (p.Leu1205Ile)

Gene: SAMD9L (sterile alpha motif domain containing 9 like; minus strand). Cytogenetic location: 7q21.2.
Variant type: single nucleotide variant.
Coding change: c.3613C>A on transcript NM_152703.5 (MANE Select); coding-DNA position 3613, C replaced by A.
Protein change: p.Leu1205Ile; replaces leucine 1205 with isoleucine.
Molecular consequence: missense variant.
Genome position (GRCh38, 1-based): chr7:93,132,359, G>T on the plus strand (C>A on the coding strand, the complement: SAMD9L is on the minus strand). VCF-style: chr7-93132359-G-T. GRCh37 (hg19) VCF-style: chr7-92761672-G-T.
Other names: c.3613C>A, p.Leu1205Ile (NM_001303496.3, NM_001303497.3, NM_001303498.3 and 5 more transcripts); short protein forms L1205I.
Identifiers: ClinVar variation 3792443 (VCV003792443.1).

ClinVar aggregate classification (germline): Uncertain significance (1 of 4 stars; one submission).

Conditions:
Inborn genetic diseases. Identifiers: MedGen C0950123, MeSH D030342.

Submission:

Ambry Genetics
Classification: Uncertain significance for Inborn genetic diseases. Last evaluated: 2025-02-22. Review status: criteria provided, single submitter. Criteria: Ambry Variant Classification Scheme 2023. Collection method: clinical testing. Allele origin: germline.
Comment: The p.L1205I variant (also known as c.3613C>A), located in coding exon 1 of the SAMD9L gene, results from a C to A substitution at nucleotide position 3613. The leucine at codon 1205 is replaced by isoleucine, an amino acid with highly similar properties. This amino acid position is conserved. In addition, this alteration is predicted to be tolerated by in silico analysis. Based on the available evidence, the clinical significance of this variant remains unclear.